The following is an entry in ClinVar:

ClinVar aggregate classification (germline): Uncertain significance. Review status: criteria provided, multiple submitters, no conflicts (2 of 4 stars). 2 submissions from 2 submitters: Uncertain significance (2). Last evaluated 2025-12-15.

Conditions:
DNMT3A-related disorder. Also called: DNMT3A-related disorders; DNMT3A-related condition.

Allele frequency attached by ClinVar (database versions not stated): TOPMed 0.00002; gnomAD 0.00004.
gnomAD v4.1: 76 of 1,597,986 alleles (0.0048%); highest among the groups gnomAD compares: Non-Finnish European, 0.0059%; no homozygotes.

Submissions (2):

PreventionGenetics, part of Exact Sciences
Classification: Uncertain significance for DNMT3A-related condition. Last evaluated: 2025-12-15. Review status: criteria provided, single submitter. Criteria: ACMG Guidelines, 2015. Collection method: clinical testing. Allele origin: germline.
Comment: The DNMT3A c.488C>A variant is predicted to result in the amino acid substitution p.Thr163Asn. To our knowledge, this variant has not been reported in the literature. This variant is reported in 0.0036% of alleles in individuals of European (Non-Finnish) descent in gnomAD. At this time, the clinical significance of this variant is uncertain due to the absence of conclusive functional and genetic evidence.

CeGaT Center for Human Genetics Tuebingen
Classification: Uncertain significance. Last evaluated: 2023-05-01. Review status: criteria provided, single submitter. Criteria: CeGaT Center For Human Genetics Tuebingen Variant Classification Criteria Version 2. Collection method: clinical testing. Allele origin: germline. Affected: yes. Observed: 1 variant allele.
Comment: DNMT3A: PP2, BP4

NM_022552.5(DNMT3A):c.448+40C>A

Gene: DNMT3A (DNA methyltransferase 3 alpha; minus strand). Cytogenetic location: 2p23.3.
Variant type: single nucleotide variant.
Coding change: c.448+40C>A on transcript NM_022552.5 (MANE Select); 40 bases into the intron after coding-DNA position 448, C replaced by A.
Molecular consequence: intron variant. On other transcripts: missense variant (2).
Genome position (GRCh38, 1-based): chr2:25,282,401, G>T on the plus strand (C>A on the coding strand, the complement: DNMT3A is on the minus strand). VCF-style: chr2-25282401-G-T. GRCh37 (hg19) VCF-style: chr2-25505270-G-T.
Other names: c.488C>A (NM_001320892.1); c.488C>A, p.Thr163Asn (NM_001320892.2, NM_175630.1); c.448+40C>A (NM_175629.2); short protein forms T163N.
Identifiers: ClinVar variation 2650728 (VCV002650728.25), dbSNP rs1220450373, ClinGen allele CA346083552.
Genomic context (GRCh38, chr2:25,282,401, plus strand): 5'-CCAGACCATCCTTCCTGGGACCTGCTGGAGAGCCAAGTCCCTGACTCTCAGGGTATGCTG[G>T]TGGGCCCAGAAGAGGCTGCCCCTGGTGCTGAGGACTCACCCGCTTCTGCAGGGGCTCCTC-3'